The following is an entry in ClinVar:

NM_032119.4(ADGRV1):c.[1718G>T;9440G>A]

Variant type: Haplotype.
Identifiers: ClinVar variation 3338035 (VCV003338035.1).

ClinVar aggregate classification (germline): Likely pathogenic (1 of 4 stars; one submission).

Conditions:
Usher syndrome type 2C. Also called: Usher syndrome, type 2B; USHER SYNDROME, TYPE IIC. Identifiers: Orphanet 231178, Orphanet 886, MedGen C2931213, MONDO:0011558, OMIM 605472.

Submission:

Laboratory of Prof. Karen Avraham, Tel Aviv University
Classification: Likely pathogenic for Usher syndrome type 2C. Last evaluated: 2024-08-20. Review status: criteria provided, single submitter. Criteria: ACMG Guidelines, 2015. Collection method: research. Allele origin: germline. Affected: yes. Observed: 1 variant allele.
Comment: The two variants, p.(Gly573Val) and p.(Arg3147Gln)], have been previously reported in cis in ClinVar (SCV000063235.6), and classified as likely pathogenic by two previous submissions to ClinVar (SCV001160882.1; SCV001810135.1). Both PCDH15 and ADGRV1 are involved in the organization of the stereocilia links (PCDH15 in tip links and ADGRV1 in ankle links). Digenic inheritance involving one tip-link gene and a second ankle-link gene is known (PCDH15/MYO7A; CDH23/MYO7A) (PMID: 34391192).